The following is an entry in ClinVar:

ClinVar aggregate classification (germline): Uncertain significance (1 of 4 stars; one submission).

Conditions:
EGFR-related lung cancer (EGFR). Identifiers: MedGen CN130014.

Submission:

Labcorp Genetics (formerly Invitae), Labcorp
Classification: Uncertain significance for EGFR-related lung cancer. Last evaluated: 2022-10-04. Review status: criteria provided, single submitter. Criteria: Invitae Variant Classification Sherloc (09022015). Collection method: clinical testing. Allele origin: germline.
Comment: In summary, the available evidence is currently insufficient to determine the role of this variant in disease. Therefore, it has been classified as a Variant of Uncertain Significance. Experimental studies and prediction algorithms are not available or were not evaluated, and the functional significance of this variant is currently unknown. This variant has not been reported in the literature in individuals affected with EGFR-related conditions. This variant is not present in population databases (gnomAD no frequency). This sequence change creates a premature translational stop signal (p.Ala1155Cysfs*12) in the EGFR gene. While this is not anticipated to result in nonsense mediated decay, it is expected to disrupt the last 56 amino acid(s) of the EGFR protein.

NM_005228.5(EGFR):c.3461dup (p.Ala1155fs)

Gene: EGFR (epidermal growth factor receptor; plus strand). Cytogenetic location: 7p11.2.
Variant type: Duplication.
Coding change: c.3461dup on transcript NM_005228.5 (MANE Select); coding-DNA position 3461, one base duplicated (C; older notation c.3461dupC).
Protein change: p.Ala1155fs; shifts the reading frame from alanine 1155.
Molecular consequence: frameshift variant.
Genome position (GRCh38, 1-based): chr7:55,205,445, C duplicated; the last of 3 consecutive C bases (chr7:55,205,443-55,205,445); duplicating any one gives the same sequence. VCF-style (leftmost placement, unchanged base first): chr7-55205442-G-GC. GRCh37 (hg19) VCF-style: chr7-55273135-G-GC.
Other names: c.3326dup, p.Ala1110fs (NM_001346899.2); c.3302dup, p.Ala1102fs (NM_001346900.2); c.2660dup, p.Ala888fs (NM_001346941.2); short protein forms A1102fs, A888fs, A1155fs, A1110fs.
Identifiers: ClinVar variation 2033715 (VCV002033715.4), dbSNP rs2534896078, ClinGen allele CA2580077248.